The following is an entry in ClinVar:

NM_001083961.2(WDR62):c.2580C>T (p.Pro860=)

Gene: WDR62 (WD repeat domain 62; plus strand). Cytogenetic location: 19q13.12.
Variant type: single nucleotide variant.
Coding change: c.2580C>T on transcript NM_001083961.2 (MANE Select); coding-DNA position 2580, C replaced by T.
Protein change: p.Pro860=; no amino-acid change (proline 860 retained).
Molecular consequence: synonymous variant.
Genome position (GRCh38, 1-based): chr19:36,099,458, C>T. VCF-style: chr19-36099458-C-T. GRCh37 (hg19) VCF-style: chr19-36590360-C-T.
Other names: c.2580C>T, p.Pro860= (NM_173636.5); c.2580C>T (NM_001083961.1).
Identifiers: ClinVar variation 286951 (VCV000286951.6), dbSNP rs886043531, ClinGen allele CA10605626.
Genomic context (GRCh38, chr19:36,099,458, plus strand): 5'-GCTAGGGGACGATGATGTGGCAGATGGCTTGGCCTTCCACGCCAAGCGCAGCTACCAGCC[C>T]CACGGCCGCTGGGCAGAGCGGGCCGGCCAAGAGCCCCTCAAGACCATCCTGGATGCCCAG-3'
Protein context (NP_001077430.1, residues 850-870): LAFHAKRSYQ[Pro860=]HGRWAERAGQ

ClinVar aggregate classification (germline): Uncertain significance. Review status: criteria provided, single submitter (1 of 4 stars). 2 submissions from 2 submitters: Uncertain significance (1). 1 of the submissions does not count toward it. Last evaluated 2016-04-01.

Conditions:
WDR62-related disorder. Also called: WDR62-related condition.

Allele frequency attached by ClinVar (database versions not stated): gnomAD exomes below 0.00001.
gnomAD v4.1: 2 of 1,613,930 alleles (0.00012%); highest among the groups gnomAD compares: Non-Finnish European, 0.00017%; no homozygotes.

Submissions (2):

Eurofins Ntd Llc (ga)
Classification: Uncertain significance. Last evaluated: 2016-04-01. Review status: criteria provided, single submitter. Criteria: EGL Classification Definitions 2015. Collection method: clinical testing. Allele origin: germline. Observed: 1 variant allele, 1 heterozygote.

PreventionGenetics, part of Exact Sciences
Classification: Likely benign for WDR62-related condition. Last evaluated: 2024-06-04. Review status: no assertion criteria provided. Collection method: clinical testing. Allele origin: germline. Not counted in ClinVar's aggregate classification.
Comment: This variant is classified as likely benign based on ACMG/AMP sequence variant interpretation guidelines (Richards et al. 2015 PMID: 25741868, with internal and published modifications).